The following is an entry in ClinVar:

ClinVar aggregate classification (germline): Benign/Likely benign. Review status: criteria provided, multiple submitters, no conflicts (2 of 4 stars). 3 submissions from 3 submitters: Benign (1); Likely benign (2). Last evaluated 2026-09-01.

Submissions (8):

CeGaT Center for Human Genetics Tuebingen
Classification: Likely benign. Last evaluated: 2026-09-01. Review status: criteria provided, single submitter. Criteria: CeGaT Center For Human Genetics Tuebingen Variant Classification Criteria Version 2. Collection method: clinical testing. Allele origin: germline. Affected: yes. Observed: 5 variant alleles.
Comment: CASQ1: BS2

Labcorp Genetics (formerly Invitae), Labcorp
Classification: Benign. Last evaluated: 2026-02-01. Review status: criteria provided, single submitter. Criteria: Invitae Variant Classification Sherloc (09022015). Collection method: clinical testing. Allele origin: germline.

Blueprint Genetics
Classification: Likely benign. Last evaluated: 2024-11-25. Review status: criteria provided, single submitter. Criteria: ACMG Guidelines, 2015. Collection method: clinical testing. Allele origin: germline.

Dr. Peter K. Rogan Lab, Western University
No classification provided (evidence only). Condition: Familial cancer of breast. Review status: no classification provided. Collection method: in vitro. Allele origin: not applicable. Functional consequence: skipped exon. Not counted in ClinVar's aggregate classification.

Dr. Peter K. Rogan Lab, Western University
No classification provided (evidence only). Condition: Familial cancer of breast. Review status: no classification provided. Collection method: in vitro. Allele origin: not applicable. Functional consequence: skipped exon. Not counted in ClinVar's aggregate classification.

Dr. Peter K. Rogan Lab, Western University
No classification provided (evidence only). Condition: Familial cancer of breast. Review status: no classification provided. Collection method: in vitro. Allele origin: not applicable. Functional consequence: skipped exon. Not counted in ClinVar's aggregate classification.

Dr. Peter K. Rogan Lab, Western University
No classification provided (evidence only). Condition: Familial cancer of breast. Review status: no classification provided. Collection method: in vitro. Allele origin: not applicable. Functional consequence: skipped exon, retained intron. Not counted in ClinVar's aggregate classification.

Dr. Peter K. Rogan Lab, Western University
No classification provided (evidence only). Condition: Lymphoma. Review status: no classification provided. Collection method: in vitro. Allele origin: not applicable. Functional consequence: retained intron. Not counted in ClinVar's aggregate classification.

NM_001231.5(CASQ1):c.365-31_365-7del

Gene: CASQ1 (calsequestrin 1; plus strand). Cytogenetic location: 1q23.2.
Variant type: Deletion.
Coding change: c.365-31_365-7del on transcript NM_001231.5 (MANE Select); 31 bases into the intron before coding-DNA position 365 through 7 bases into the intron before coding-DNA position 365, 25 bases deleted (ACCCCACCCCTGCGCCCGGCTCACT).
Molecular consequence: intron variant.
Genome position (GRCh38, 1-based): chr1:160,193,716-160,193,740, ACCCCACCCCTGCGCCCGGCTCACT deleted; deleting any 25 consecutive bases within chr1:160,193,708-160,193,740 gives the same sequence; the c. name uses the placement nearest the transcript's 3' end. VCF-style (leftmost placement, unchanged base first): chr1-160193707-TGGCTCACTACCCCACCCCTGCGCCC-T. GRCh37 (hg19) VCF-style: chr1-160163497-TGGCTCACTACCCCACCCCTGCGCCC-T.
Other names: NC_000001.10:g.160163506_160163530del.
Identifiers: ClinVar variation 1598410 (VCV001598410.14), dbSNP rs554168380, ClinGen allele CA1196158.